The following is an entry in ClinVar:

NM_005629.4(SLC6A8):c.342G>C (p.Gln114His)

Gene: SLC6A8 (solute carrier family 6 member 8; plus strand). Cytogenetic location: Xq28.
Variant type: single nucleotide variant.
Coding change: c.342G>C on transcript NM_005629.4 (MANE Select); coding-DNA position 342, G replaced by C.
Protein change: p.Gln114His; replaces glutamine 114 with histidine.
Molecular consequence: missense variant. On other transcripts: 5 prime UTR variant (1).
Genome position (GRCh38, 1-based): chrX:153,690,454, G>C. VCF-style: chrX-153690454-G-C. GRCh37 (hg19) VCF-style: chrX-152955909-G-C.
Other names: NM_005629.4(SLC6A8):c.342G>C; p.Gln114His; c.342G>C, p.Gln114His (NM_001142805.2); c.-4G>C (NM_001142806.1); short protein forms Q114H.
Identifiers: ClinVar variation 940774 (VCV000940774.11), dbSNP rs2091449037, ClinGen allele CA415077745.
Genomic context (GRCh38, chrX:153,690,454, plus strand): 5'-CGTCCTGATCGCCCTGGTTGGAGGAATCCCCATTTTCTTCTTAGAGATCTCGCTGGGCCA[G>C]TTCATGAAGGCCGGCAGCATCAATGTCTGGAACATCTGTCCCCTGTTCAAAGGTGAGCAG-3'
Protein context (NP_005620.1, residues 104-124): PIFFLEISLG[Gln114His]FMKAGSINVW

ClinVar aggregate classification (germline): Likely pathogenic. Review status: reviewed by expert panel (3 of 4 stars). 3 submissions from 3 submitters: Likely pathogenic (1). 2 of the submissions do not count toward it. Last evaluated 2024-05-02.

Conditions:
Creatine transporter deficiency (CCDS1). Also called: Creatine Transporter (CRTR) Deficiency; Mental retardation , X-linked with seizures, short stature and midface hypoplasia; Mental retardation , X-linked, with creatine transport deficiency; X-linked creatine transporter deficiency; X-linked creatine deficiency syndrome; SLC6A8-Related Creatine Transporter Deficiency. Identifiers: Orphanet 52503, MedGen C1845862, MONDO:0010305, OMIM 300352.

Submissions (3):

ClinGen Cerebral Creatine Deficiency Syndromes Variant Curation Expert Panel, ClinGen
Classification: Likely pathogenic for Creatine transporter deficiency. Last evaluated: 2024-05-02. Review status: reviewed by expert panel. Criteria: ClinGen_CCDS_ACMG_Specifications_SLC6A8_v1.1. Collection method: curation. Allele origin: germline. Inheritance: X-linked inheritance.
Comment: The NM_005629.4:c.342G>C variant in SLC6A8 is predicted to result in the substitution of glutamine by histidine at amino acid 114 (p.Gln114His). The variant is absent in gnomAD v2.1.1. (PM2_Supporting). The computational predictor REVEL gives a score of 0.859 which is above the threshold of 0.75, evidence that correlates with impact to SLC6A8 function (PP3). Another amino acid change at the same position, c.340C>A (p.Gln114Lys) (ClinVar Variation ID: 561109) has been classified as a VUS by the ClinGen CCDS VCEP. There is a ClinVar entry for this variant (Variation ID: 940774). In summary, this variant meets the criteria to be classified as likely pathogenic for creatine deficiency syndrome. SLC6A8-specific ACMG/AMP criteria met, as specified by the ClinGen Cerebral Creatine Deficiency Syndromes Variant Curation Expert Panel (Specifications Version 1.1.0): PP4_Strong, PM6, PP3, PM2_Supporting. (Classification approved by the ClinGen Cerebral Creatine Deficiency Syndromes Variant Curation Expert Panel on May 2, 2024)

Stanford Starfish Project, Stanford University
Classification: Pathogenic for Creatine transporter deficiency. Last evaluated: 2026-01-28. Review status: criteria provided, single submitter. Criteria: ACMG Guidelines, 2015. Collection method: provider interpretation. Allele origin: de novo. Inheritance: X-linked inheritance. Affected: yes. Observed: 1 hemizygote. Not counted in ClinVar's aggregate classification.
Comment: This variant is predicted to result in the substitution of glutamine by histidine at amino acid 114 (p.Gln114His). The variant is not reported in large population databases. The computational predictor REVEL gives a score of 0.859 indicating impact to SLC6A8 function. See Observation 1 for more details on clinical features.

Labcorp Genetics (formerly Invitae), Labcorp
Classification: Likely pathogenic for Creatine transporter deficiency. Last evaluated: 2019-10-25. Review status: criteria provided, single submitter. Criteria: Invitae Variant Classification Sherloc (09022015). Collection method: clinical testing. Allele origin: germline. Not counted in ClinVar's aggregate classification.
Comment: This variant has been observed in individual(s) with creatine transporter deficiency (Invitae). In at least one individual the variant was observed to be de novo. Algorithms developed to predict the effect of missense changes on protein structure and function are either unavailable or do not agree on the potential impact of this missense change (SIFT: "Tolerated"; PolyPhen-2: "Probably Damaging"; Align-GVGD: "Class C0"). This variant is not present in population databases (ExAC no frequency). In summary, the currently available evidence indicates that the variant is pathogenic, but additional data are needed to prove that conclusively. Therefore, this variant has been classified as Likely Pathogenic. This sequence change replaces glutamine with histidine at codon 114 of the SLC6A8 protein (p.Gln114His). The glutamine residue is weakly conserved and there is a small physicochemical difference between glutamine and histidine.